The following is an entry in ClinVar:

NM_033087.4(ALG2):c.30C>G (p.Asp10Glu)

Gene: ALG2 (ALG2 alpha-1,3/1,6-mannosyltransferase; minus strand). Cytogenetic location: 9q22.33.
Variant type: single nucleotide variant.
Coding change: c.30C>G on transcript NM_033087.4 (MANE Select); coding-DNA position 30, C replaced by G.
Protein change: p.Asp10Glu; replaces aspartic acid 10 with glutamic acid.
Molecular consequence: missense variant. On other transcripts: non-coding transcript variant (1).
Genome position (GRCh38, 1-based): chr9:99,221,865, G>C on the plus strand (C>G on the coding strand, the complement: ALG2 is on the minus strand). VCF-style: chr9-99221865-G-C. GRCh37 (hg19) VCF-style: chr9-101984147-G-C.
Other names: p.Asp10Glu; short protein forms D10E.
Identifiers: ClinVar variation 235651 (VCV000235651.18), dbSNP rs7023652, ClinGen allele CA5156510.
Genomic context (GRCh38, chr9:99,221,865, plus strand): 5'-CTCAGCGCCGCCCACGCCCAGGTCTGGGTGGAGGAACAGCACCGACGGCTTGGGAACCGA[G>C]TCCCGTTCCCGGCCCTGCTCCTCCGCCATGGCCCTGGAGCCGCAACTGCACCCCGCACCC-3'
Protein context (NP_149078.1, residues 1-20): MAEEQGRER[Asp10Glu]SVPKPSVLFL

ClinVar aggregate classification (germline): Benign/Likely benign. Review status: criteria provided, multiple submitters, no conflicts (2 of 4 stars). 6 submissions from 6 submitters: Benign (4); Likely benign (2). Last evaluated 2026-02-02.

Conditions:
Congenital myasthenic syndrome 14. Also called: Myasthenic syndrome, congenital, 14, with tubular aggregates. Identifiers: Orphanet 353327, Orphanet 590, MedGen C4015597, MONDO:0014543, OMIM 616228.
Congenital disorder of glycosylation, type Ii. Also called: ALG2-congenital disorder of glycosylation; ALG2-CDG; CDG Ii. Identifiers: Orphanet 79326, MedGen C1842836, MONDO:0011933, OMIM 607906.

Allele frequency attached by ClinVar (database versions not stated): gnomAD exomes 0.00609; ExAC 0.00829; gnomAD 0.01475 and 0.01515; ESP Exome Variant Server 0.01576; TOPMed 0.01642; 1000 Genomes Project 30x 0.01780; 1000 Genomes Project 0.01837.
gnomAD v4.1: 5,957 of 1,591,628 alleles (0.37%); highest among the groups gnomAD compares: African/African-American, 4.9%; 115 homozygotes.

Submissions (6):

Labcorp Genetics (formerly Invitae), Labcorp
Classification: Benign for Congenital disorder of glycosylation, type Ii; Congenital myasthenic syndrome 14. Last evaluated: 2026-02-02. Review status: criteria provided, single submitter. Criteria: Invitae Variant Classification Sherloc (09022015). Collection method: clinical testing. Allele origin: germline.

Mayo Clinic Laboratories, Mayo Clinic
Classification: Benign. Last evaluated: 2023-05-25. Review status: criteria provided, single submitter. Criteria: ACMG Guidelines, 2015. Collection method: clinical testing. Allele origin: germline. Observed: 4 variant alleles.
Comment: BA1

Center for Pediatric Genomic Medicine, Children's Mercy Hospital and Clinics
Classification: Likely benign. Last evaluated: 2016-02-10. Review status: criteria provided, single submitter. Criteria: ACMG Guidelines, 2015. Collection method: clinical testing. Allele origin: germline.
ClinVar note: Converted during submission from Likely Benign to Likely benign.

Eurofins Ntd Llc (ga)
Classification: Benign. Last evaluated: 2016-02-01. Review status: criteria provided, single submitter. Criteria: EGL Classification Definitions 2015. Collection method: clinical testing. Allele origin: germline. Observed: 1 variant allele, 1 heterozygote.

GeneDx
Classification: Benign. Last evaluated: 2015-12-23. Review status: criteria provided, single submitter. Criteria: GeneDx Variant Classification (06012015). Collection method: clinical testing. Allele origin: germline. Affected: yes.
Comment: This variant is considered likely benign or benign based on one or more of the following criteria: it is a conservative change, it occurs at a poorly conserved position in the protein, it is predicted to be benign by multiple in silico algorithms, and/or has population frequency not consistent with disease.

Breakthrough Genomics
Classification: Likely benign. Review status: criteria provided, single submitter. Criteria: ACMG Guidelines, 2015. Collection method: not provided. Allele origin: germline. Inheritance: Autosomal recessive inheritance. Affected: yes.